The following is an entry in ClinVar:

ClinVar aggregate classification (germline): Uncertain significance (1 of 4 stars; one submission).

Conditions:
Inborn genetic diseases. Identifiers: MedGen C0950123, MeSH D030342.

Submission:

Ambry Genetics
Classification: Uncertain significance for Inborn genetic diseases. Last evaluated: 2024-10-30. Review status: criteria provided, single submitter. Criteria: Ambry Variant Classification Scheme 2023. Collection method: clinical testing. Allele origin: germline.
Comment: The p.P643A variant (also known as c.1927C>G), located in coding exon 12 of the EPAS1 gene, results from a C to G substitution at nucleotide position 1927. The proline at codon 643 is replaced by alanine, an amino acid with highly similar properties. This amino acid position is conserved. In addition, the in silico prediction for this alteration is inconclusive. Based on the available evidence, the clinical significance of this variant remains unclear.

NM_001430.5(EPAS1):c.1927C>G (p.Pro643Ala)

Gene: EPAS1 (endothelial PAS domain protein 1; plus strand). Cytogenetic location: 2p21.
Variant type: single nucleotide variant.
Coding change: c.1927C>G on transcript NM_001430.5 (MANE Select); coding-DNA position 1927, C replaced by G.
Protein change: p.Pro643Ala; replaces proline 643 with alanine.
Molecular consequence: missense variant.
Genome position (GRCh38, 1-based): chr2:46,380,599, C>G. VCF-style: chr2-46380599-C-G. GRCh37 (hg19) VCF-style: chr2-46607738-C-G.
Other names: short protein forms P643A.
Identifiers: ClinVar variation 3509014 (VCV003509014.1).